The following is an entry in ClinVar:

NM_015202.5(KATNIP):c.335G>A (p.Arg112Gln)

Gene: KATNIP (katanin interacting protein; plus strand). Cytogenetic location: 16p12.1.
Variant type: single nucleotide variant.
Coding change: c.335G>A on transcript NM_015202.5 (MANE Select); coding-DNA position 335, G replaced by A.
Protein change: p.Arg112Gln; replaces arginine 112 with glutamine.
Molecular consequence: missense variant.
Genome position (GRCh38, 1-based): chr16:27,631,089, G>A. VCF-style: chr16-27631089-G-A. GRCh37 (hg19) VCF-style: chr16-27642410-G-A.
Other names: c.335G>A (NM_015202.2); short protein forms R112Q.
Identifiers: ClinVar variation 2167934 (VCV002167934.2), dbSNP rs374757472, ClinGen allele CA7977289.

ClinVar aggregate classification (germline): Uncertain significance. Review status: criteria provided, multiple submitters, no conflicts (2 of 4 stars). 2 submissions from 2 submitters: Uncertain significance (2). Last evaluated 2022-08-06.

Allele frequency attached by ClinVar (database versions not stated): ExAC 0.00012; ESP Exome Variant Server 0.00015.

Submissions (2):

Labcorp Genetics (formerly Invitae), Labcorp
Classification: Uncertain significance. Last evaluated: 2022-08-06. Review status: criteria provided, single submitter. Criteria: Invitae Variant Classification Sherloc (09022015). Collection method: clinical testing. Allele origin: germline.
Comment: This sequence change replaces arginine, which is basic and polar, with glutamine, which is neutral and polar, at codon 112 of the KIAA0556 protein (p.Arg112Gln). This variant is present in population databases (rs374757472, gnomAD 0.02%). This variant has not been reported in the literature in individuals affected with KIAA0556-related conditions. Algorithms developed to predict the effect of missense changes on protein structure and function output the following: SIFT: "Deleterious"; PolyPhen-2: "Benign"; Align-GVGD: "Class C0". The glutamine amino acid residue is found in multiple mammalian species, which suggests that this missense change does not adversely affect protein function. In summary, the available evidence is currently insufficient to determine the role of this variant in disease. Therefore, it has been classified as a Variant of Uncertain Significance.

Ambry Genetics
Classification: Uncertain significance. Last evaluated: 2021-08-10. Review status: criteria provided, single submitter. Criteria: Ambry Variant Classification Scheme 2023. Collection method: clinical testing. Allele origin: germline.